The following is an entry in ClinVar:

NM_014112.5(TRPS1):c.1544C>T (p.Ser515Leu)

Gene: TRPS1 (transcriptional repressor GATA binding 1; minus strand). Cytogenetic location: 8q23.3.
Variant type: single nucleotide variant.
Coding change: c.1544C>T on transcript NM_014112.5 (MANE Select); coding-DNA position 1544, C replaced by T.
Protein change: p.Ser515Leu; replaces serine 515 with leucine.
Molecular consequence: missense variant.
Genome position (GRCh38, 1-based): chr8:115,604,425, G>A on the plus strand (C>T on the coding strand, the complement: TRPS1 is on the minus strand). VCF-style: chr8-115604425-G-A. GRCh37 (hg19) VCF-style: chr8-116616652-G-A.
Other names: c.1544C>T (NM_014112.2, NM_014112.4); c.1517C>T, p.Ser506Leu (NM_001282902.3); c.1523C>T, p.Ser508Leu (NM_001282903.3); c.1505C>T, p.Ser502Leu (NM_001330599.2); short protein forms S502L, S506L, S508L, S515L.
Identifiers: ClinVar variation 1600343 (VCV001600343.11), dbSNP rs142784032, ClinGen allele CA4851810.
Genomic context (GRCh38, chr8:115,604,425, plus strand): 5'-CTCGTTACCATATTATCCTCGGCTCCCTTGCTGGAGAAGTCCTTCTTTTTAGCCCCACTC[G>A]AGCTCTTGTCTGTCTTGGTCATTGTCTCTCCTTCTGAACTTTTGGCTAGATCATTCTGAT-3'
Protein context (NP_054831.2, residues 505-525): GETMTKTDKS[Ser515Leu]SGAKKKDFSS

ClinVar aggregate classification (germline): Benign/Likely benign. Review status: criteria provided, multiple submitters, no conflicts (2 of 4 stars). 3 submissions from 3 submitters: Benign (1); Likely benign (1). 1 of the submissions does not count toward it. Last evaluated 2025-05-30.

Conditions:
Inborn genetic diseases. Identifiers: MedGen C0950123, MeSH D030342.
Trichorhinophalangeal syndrome, type III (TRPS3). Also called: SUGIO-KAJII SYNDROME. Identifiers: Orphanet 77258, MedGen C1860823, OMIM 190351, MONDO:0008597.
Trichorhinophalangeal dysplasia type I (TRPS1). Also called: TRICHORHINOPHALANGEAL SYNDROME, TYPE I; TRPS I. Identifiers: Orphanet 77258, MedGen C0432233, MONDO:0008596, OMIM 190350.
TRPS1-related disorder. Also called: TRPS1-related condition.

Allele frequency attached by ClinVar (database versions not stated): gnomAD exomes 0.00030; ExAC 0.00036; 1000 Genomes Project 30x 0.00078; 1000 Genomes Project 0.00100; gnomAD 0.00126 and 0.00134; TOPMed 0.00140; ESP Exome Variant Server 0.00167.
gnomAD v4.1: 360 of 1,613,924 alleles (0.022%); highest among the groups gnomAD compares: African/African-American, 0.43%; 2 homozygotes.

Submissions (3):

Labcorp Genetics (formerly Invitae), Labcorp
Classification: Benign for Trichorhinophalangeal syndrome, type III; Trichorhinophalangeal dysplasia type I. Last evaluated: 2025-05-30. Review status: criteria provided, single submitter. Criteria: Invitae Variant Classification Sherloc (09022015). Collection method: clinical testing. Allele origin: germline.

Ambry Genetics
Classification: Likely benign for Inborn genetic diseases. Last evaluated: 2024-09-26. Review status: criteria provided, single submitter. Criteria: Ambry Variant Classification Scheme 2023. Collection method: clinical testing. Allele origin: germline.

PreventionGenetics, part of Exact Sciences
Classification: Benign for TRPS1-related condition. Last evaluated: 2024-08-15. Review status: no assertion criteria provided. Collection method: clinical testing. Allele origin: germline. Not counted in ClinVar's aggregate classification.
Comment: This variant is classified as benign based on ACMG/AMP sequence variant interpretation guidelines (Richards et al. 2015 PMID: 25741868, with internal and published modifications).